The following is an entry in ClinVar:

NM_000368.5(TSC1):c.1623C>G (p.Asp541Glu)

Gene: TSC1 (TSC complex subunit 1; minus strand). Cytogenetic location: 9q34.13.
Variant type: single nucleotide variant.
Coding change: c.1623C>G on transcript NM_000368.5 (MANE Select); coding-DNA position 1623, C replaced by G.
Protein change: p.Asp541Glu; replaces aspartic acid 541 with glutamic acid.
Molecular consequence: missense variant.
Genome position (GRCh38, 1-based): chr9:132,905,955, G>C on the plus strand (C>G on the coding strand, the complement: TSC1 is on the minus strand). VCF-style: chr9-132905955-G-C. GRCh37 (hg19) VCF-style: chr9-135781342-G-C.
Other names: c.1620C>G, p.Asp540Glu (NM_001162426.2); c.1470C>G, p.Asp490Glu (NM_001162427.2); c.1260C>G, p.Asp420Glu (NM_001362177.2); short protein forms D540E, D541E, D420E, D490E.
Identifiers: ClinVar variation 819681 (VCV000819681.5), dbSNP rs1346059974, ClinGen allele CA375364641.

ClinVar aggregate classification (germline): Uncertain significance (1 of 4 stars; one submission).

Conditions:
Hereditary cancer-predisposing syndrome. Also called: Neoplastic Syndromes, Hereditary; Tumor predisposition; Hereditary Cancer Syndrome; Hereditary neoplastic syndrome. Identifiers: Orphanet 140162, MedGen C0027672, MeSH D009386, MONDO:0015356.

Submission:

Ambry Genetics
Classification: Uncertain significance for Hereditary cancer-predisposing syndrome. Last evaluated: 2025-10-12. Review status: criteria provided, single submitter. Criteria: Ambry Variant Classification Scheme 2023. Collection method: clinical testing. Allele origin: germline.
Comment: The p.D541E variant (also known as c.1623C>G), located in coding exon 13 of the TSC1 gene, results from a C to G substitution at nucleotide position 1623. The aspartic acid at codon 541 is replaced by glutamic acid, an amino acid with highly similar properties. This amino acid position is well conserved in available vertebrate species. In addition, the in silico prediction for this alteration is inconclusive. Since supporting evidence is limited at this time, the clinical significance of this alteration remains unclear.